The following is an entry in ClinVar:

NM_014314.4(RIGI):c.2599C>A (p.Gln867Lys)

Gene: RIGI (RNA sensor RIG-I; minus strand). Cytogenetic location: 9p21.1.
Variant type: single nucleotide variant.
Coding change: c.2599C>A on transcript NM_014314.4 (MANE Select); coding-DNA position 2599, C replaced by A.
Protein change: p.Gln867Lys; replaces glutamine 867 with lysine.
Molecular consequence: missense variant.
Genome position (GRCh38, 1-based): chr9:32,457,301, G>T on the plus strand (C>A on the coding strand, the complement: RIGI is on the minus strand). VCF-style: chr9-32457301-G-T. GRCh37 (hg19) VCF-style: chr9-32457299-G-T.
Other names: c.2428C>A, p.Gln810Lys (NM_001385909.1); c.2158C>A, p.Gln720Lys (NM_001385910.1); c.1990C>A, p.Gln664Lys (NM_001385912.1); c.2584C>A, p.Gln862Lys (NM_001385913.1); c.2155C>A, p.Gln719Lys (NM_001385914.1); c.2593C>A, p.Gln865Lys (NM_001385907.1); short protein forms Q810K, Q719K, Q862K, Q865K, Q720K, Q664K, Q867K.
Identifiers: ClinVar variation 4770520 (VCV004770520.1).

ClinVar aggregate classification (germline): Uncertain significance (1 of 4 stars; one submission).

gnomAD v4.1: 2 of 1,613,948 alleles (0.00012%); highest among the groups gnomAD compares: Non-Finnish European, 0.00017%; no homozygotes.

Submission:

Labcorp Genetics (formerly Invitae), Labcorp
Classification: Uncertain significance. Last evaluated: 2025-09-16. Review status: criteria provided, single submitter. Criteria: Invitae Variant Classification Sherloc (09022015). Collection method: clinical testing. Allele origin: germline.
Comment: This sequence change replaces glutamine, which is neutral and polar, with lysine, which is basic and polar, at codon 867 of the DDX58 protein (p.Gln867Lys). This variant is not present in population databases (gnomAD no frequency). This variant has not been reported in the literature in individuals affected with DDX58-related conditions. Invitae Evidence Modeling of protein sequence and biophysical properties (such as structural, functional, and spatial information, amino acid conservation, physicochemical variation, residue mobility, and thermodynamic stability) indicates that this missense variant is not expected to disrupt DDX58 protein function with a negative predictive value of 80%. In summary, the available evidence is currently insufficient to determine the role of this variant in disease. Therefore, it has been classified as a Variant of Uncertain Significance.